The following is an entry in ClinVar:

NM_018714.3(COG1):c.1784G>T (p.Gly595Val)

Gene: COG1 (component of oligomeric golgi complex 1; plus strand). Cytogenetic location: 17q25.1.
Variant type: single nucleotide variant.
Coding change: c.1784G>T on transcript NM_018714.3 (MANE Select); coding-DNA position 1784, G replaced by T.
Protein change: p.Gly595Val; replaces glycine 595 with valine.
Molecular consequence: missense variant.
Genome position (GRCh38, 1-based): chr17:73,201,611, G>T. VCF-style: chr17-73201611-G-T. GRCh37 (hg19) VCF-style: chr17-71197750-G-T.
Other names: short protein forms G595V.
Identifiers: ClinVar variation 892412 (VCV000892412.7), dbSNP rs752197597, ClinGen allele CA8740294.

ClinVar aggregate classification (germline): Uncertain significance. Review status: criteria provided, multiple submitters, no conflicts (2 of 4 stars). 2 submissions from 2 submitters: Uncertain significance (2). Last evaluated 2022-07-19.

Conditions:
COG1 congenital disorder of glycosylation (CDG2G). Also called: CONGENITAL DISORDER OF GLYCOSYLATION, TYPE IIg; CDG IIg; CDGII/COG1 CEREBROCOSTOMANDIBULAR-LIKE SYNDROME. Identifiers: Orphanet 263508, MedGen C2931011, MONDO:0012637, OMIM 611209.

Allele frequency attached by ClinVar (database versions not stated): gnomAD exomes 0.00001 and 0.00002; ExAC 0.00002.
gnomAD v4.1: 7 of 1,614,216 alleles (0.00043%); highest among the groups gnomAD compares: Admixed American, 0.0083%; no homozygotes.

Submissions (2):

Labcorp Genetics (formerly Invitae), Labcorp
Classification: Uncertain significance for COG1 congenital disorder of glycosylation. Last evaluated: 2022-07-19. Review status: criteria provided, single submitter. Criteria: Invitae Variant Classification Sherloc (09022015). Collection method: clinical testing. Allele origin: germline.
Comment: In summary, the available evidence is currently insufficient to determine the role of this variant in disease. Therefore, it has been classified as a Variant of Uncertain Significance. Algorithms developed to predict the effect of sequence changes on RNA splicing suggest that this variant may disrupt the consensus splice site. Algorithms developed to predict the effect of missense changes on protein structure and function output the following: SIFT: "Tolerated"; PolyPhen-2: "Benign"; Align-GVGD: "Class C0". The valine amino acid residue is found in multiple mammalian species, which suggests that this missense change does not adversely affect protein function. ClinVar contains an entry for this variant (Variation ID: 892412). This variant has not been reported in the literature in individuals affected with COG1-related conditions. This variant is present in population databases (rs752197597, gnomAD 0.01%). This sequence change replaces glycine, which is neutral and non-polar, with valine, which is neutral and non-polar, at codon 595 of the COG1 protein (p.Gly595Val).

Illumina Laboratory Services, Illumina
Classification: Uncertain significance for COG1 congenital disorder of glycosylation. Last evaluated: 2018-01-13. Review status: criteria provided, single submitter. Criteria: ICSL Variant Classification Criteria 13 December 2019. Collection method: clinical testing. Allele origin: germline.